The following is an entry in ClinVar:

ClinVar aggregate classification (germline): Conflicting classifications of pathogenicity. Review status: criteria provided, conflicting classifications (1 of 4 stars). 5 submissions from 5 submitters: Uncertain significance (2); Likely benign (3). Last evaluated 2026-03-01.

Conditions:
BICC1-related disorder. Also called: BICC1-related condition.
Renal dysplasia, cystic, susceptibility to. Identifiers: MedGen C3275898, MONDO:0011037, OMIM 601331.

Allele frequency attached by ClinVar (database versions not stated): ESP Exome Variant Server 0.00008; gnomAD exomes 0.00012 and 0.00018; ExAC 0.00016; gnomAD 0.00029 and 0.00030; TOPMed 0.00029; 1000 Genomes Project 0.00060; 1000 Genomes Project 30x 0.00078.
gnomAD v4.1: 221 of 1,614,056 alleles (0.014%); highest among the groups gnomAD compares: African/African-American, 0.047%; no homozygotes.

Submissions (5):

CeGaT Center for Human Genetics Tuebingen
Classification: Likely benign. Last evaluated: 2026-03-01. Review status: criteria provided, single submitter. Criteria: CeGaT Center For Human Genetics Tuebingen Variant Classification Criteria Version 2. Collection method: clinical testing. Allele origin: germline. Affected: yes. Observed: 1 variant allele.
Comment: BICC1: BS2

Labcorp Genetics (formerly Invitae), Labcorp
Classification: Uncertain significance. Last evaluated: 2025-12-24. Review status: criteria provided, single submitter. Criteria: Invitae Variant Classification Sherloc (09022015). Collection method: clinical testing. Allele origin: germline.
Comment: This sequence change replaces valine, which is neutral and non-polar, with isoleucine, which is neutral and non-polar, at codon 332 of the BICC1 protein (p.Val332Ile). This variant is present in population databases (rs200593598, gnomAD 0.05%). This variant has not been reported in the literature in individuals affected with BICC1-related conditions. ClinVar contains an entry for this variant (Variation ID: 383742). An algorithm developed to predict the effect of missense changes on protein structure and function outputs the following: PolyPhen-2: "Possibly Damaging". The isoleucine amino acid residue is found in multiple mammalian species, which suggests that this missense change does not adversely affect protein function. In summary, the available evidence is currently insufficient to determine the role of this variant in disease. Therefore, it has been classified as a Variant of Uncertain Significance.

PreventionGenetics, part of Exact Sciences
Classification: Likely benign for BICC1-related condition. Last evaluated: 2025-05-15. Review status: criteria provided, single submitter. Criteria: ACMG Guidelines, 2015. Collection method: clinical testing. Allele origin: germline.
Comment: This variant is classified as likely benign based on ACMG/AMP sequence variant interpretation guidelines (Richards et al. 2015 PMID: 25741868, with internal and published modifications).

Fulgent Genetics
Classification: Likely benign for Renal dysplasia, cystic, susceptibility to. Last evaluated: 2024-03-15. Review status: criteria provided, single submitter. Criteria: ACMG Guidelines, 2015. Collection method: clinical testing. Allele origin: germline.

GeneDx
Classification: Uncertain significance. Last evaluated: 2016-12-09. Review status: criteria provided, single submitter. Criteria: GeneDx Variant Classification (06012015). Collection method: clinical testing. Allele origin: germline. Affected: yes.
Comment: The V332I variant in the BICC1 gene has not been reported previously as a pathogenic variant, nor as a benign variant, to our knowledge. The V332I variant was not observed in the homozygous state or at any significant frequency in approximately 6500 individuals of European and African American ancestry by the NHLBI Exome Sequencing Project. The V332I variant is a conservative amino acid substitution, which is not likely to impact secondary protein structure as these residues share similar properties. This substitution occurs at a position where amino acids with similar properties to Valine are tolerated across species. In silico analysis is inconsistent in its predictions as to whether or not the variant is damaging to the protein structure/function. We interpret V332I as a variant of uncertain significance

NM_001080512.3(BICC1):c.994G>A (p.Val332Ile)

Gene: BICC1 (BicC family RNA binding protein 1; plus strand). Cytogenetic location: 10q21.1.
Variant type: single nucleotide variant.
Coding change: c.994G>A on transcript NM_001080512.3 (MANE Select); coding-DNA position 994, G replaced by A.
Protein change: p.Val332Ile; replaces valine 332 with isoleucine.
Molecular consequence: missense variant.
Genome position (GRCh38, 1-based): chr10:58,789,880, G>A. VCF-style: chr10-58789880-G-A. GRCh37 (hg19) VCF-style: chr10-60549640-G-A.
Other names: short protein forms V332I.
Identifiers: ClinVar variation 383742 (VCV000383742.16), dbSNP rs200593598, ClinGen allele CA5508369.